The following is an entry in ClinVar:

ClinVar aggregate classification (germline): Likely pathogenic (0 of 4 stars; one submission).

Conditions:
Congenital secretory diarrhea, chloride type (DIAR1). Also called: DIARRHEA 1, SECRETORY CHLORIDE, CONGENITAL; CHLORIDORRHEA, CONGENITAL; CHLORIDE DIARRHEA, CONGENITAL, FINNISH TYPE. Identifiers: Orphanet 53689, MedGen C0267662, MONDO:0008964, OMIM 214700.

Submission:

Juha Muilu Group; Institute for Molecular Medicine Finland (FIMM)
Classification: Likely pathogenic for Congenital secretory diarrhea, chloride type. Review status: no assertion criteria provided. Collection method: not provided. Allele origin: unknown.
Comment: FinDis database variant: This variant was not found or characterized by our laboratory, data were collected from public sources: see reference
ClinVar note: Converted during submission from probable-pathogenic to Likely pathogenic.

NM_000111.3(SLC26A3):c.1360C>T (p.Gln454Ter)

Gene: SLC26A3 (solute carrier family 26 member 3; minus strand). Cytogenetic location: 7q22.3.
Variant type: single nucleotide variant.
Coding change: c.1360C>T on transcript NM_000111.3 (MANE Select); coding-DNA position 1360, C replaced by T.
Protein change: p.Gln454Ter; replaces glutamine 454 with a stop codon.
Molecular consequence: nonsense.
Genome position (GRCh38, 1-based): chr7:107,779,715, G>A on the plus strand (C>T on the coding strand, the complement: SLC26A3 is on the minus strand). VCF-style: chr7-107779715-G-A. GRCh37 (hg19) VCF-style: chr7-107420160-G-A.
Other names: short protein forms Q454*.
Identifiers: ClinVar variation 55969 (VCV000055969.2), dbSNP rs386833451, ClinGen allele CA144048.